The following is an entry in ClinVar:

ClinVar aggregate classification (germline): Uncertain significance (1 of 4 stars; one submission).

Conditions:
Arrhythmogenic right ventricular dysplasia 13. Also called: ARRHYTHMOGENIC RIGHT VENTRICULAR CARDIOMYOPATHY 13; Arrhythmogenic right ventricular dysplasia, familial, 13. Identifiers: MedGen C3810138, MONDO:0000908, OMIM 615616.

Allele frequency attached by ClinVar (database versions not stated): gnomAD exomes below 0.00001.
gnomAD v4.1: 1 of 1,613,996 alleles (0.000062%); highest among the groups gnomAD compares: African/African-American, 0.0013%; no homozygotes.

Submission:

Labcorp Genetics (formerly Invitae), Labcorp
Classification: Uncertain significance for Arrhythmogenic right ventricular dysplasia 13. Last evaluated: 2019-01-11. Review status: criteria provided, single submitter. Criteria: Invitae Variant Classification Sherloc (09022015). Collection method: clinical testing. Allele origin: germline.
Comment: In summary, the available evidence is currently insufficient to determine the role of this variant in disease. Therefore, it has been classified as a Variant of Uncertain Significance. Algorithms developed to predict the effect of missense changes on protein structure and function are either unavailable or do not agree on the potential impact of this missense change (SIFT: "Tolerated"; PolyPhen-2: "Possibly Damaging"; Align-GVGD: "Class C0"). This variant has not been reported in the literature in individuals with CTNNA3-related conditions. This variant is not present in population databases (ExAC no frequency). This sequence change replaces serine with phenylalanine at codon 233 of the CTNNA3 protein (p.Ser233Phe). The serine residue is moderately conserved and there is a large physicochemical difference between serine and phenylalanine.

NM_013266.4(CTNNA3):c.698C>T (p.Ser233Phe)

Gene: CTNNA3 (catenin alpha 3; minus strand). Cytogenetic location: 10q21.3.
Variant type: single nucleotide variant.
Coding change: c.698C>T on transcript NM_013266.4 (MANE Select); coding-DNA position 698, C replaced by T.
Protein change: p.Ser233Phe; replaces serine 233 with phenylalanine.
Molecular consequence: missense variant.
Genome position (GRCh38, 1-based): chr10:67,219,752, G>A on the plus strand (C>T on the coding strand, the complement: CTNNA3 is on the minus strand). VCF-style: chr10-67219752-G-A. GRCh37 (hg19) VCF-style: chr10-68979510-G-A.
Other names: c.698C>T, p.Ser233Phe (NM_001127384.3); c.734C>T, p.Ser245Phe (NM_001291133.2); short protein forms S245F, S233F.
Identifiers: ClinVar variation 855373 (VCV000855373.9), dbSNP rs1232010222, ClinGen allele CA377095781.